The following is an entry in ClinVar:

ClinVar aggregate classification (germline): Uncertain significance (1 of 4 stars; one submission).

Conditions:
Luscan-Lumish syndrome. Identifiers: Orphanet 597738, MedGen C4085873, MONDO:0014791, OMIM 616831.

Allele frequency attached by ClinVar (database versions not stated): gnomAD exomes below 0.00001; TOPMed below 0.00001; ExAC 0.00001; ESP Exome Variant Server 0.00008.
gnomAD v4.1: 2 of 1,614,170 alleles (0.00012%); highest among the groups gnomAD compares: Non-Finnish European, 0.00017%; no homozygotes.

Submission:

Labcorp Genetics (formerly Invitae), Labcorp
Classification: Uncertain significance for Luscan-Lumish syndrome. Last evaluated: 2018-11-30. Review status: criteria provided, single submitter. Criteria: Invitae Variant Classification Sherloc (09022015). Collection method: clinical testing. Allele origin: germline.
Comment: This variant has not been reported in the literature in individuals with SETD2-related conditions. In summary, the available evidence is currently insufficient to determine the role of this variant in disease. Therefore, it has been classified as a Variant of Uncertain Significance. Algorithms developed to predict the effect of missense changes on protein structure and function (SIFT, PolyPhen-2, Align-GVGD) all suggest that this variant is likely to be tolerated, but these predictions have not been confirmed by published functional studies and their clinical significance is uncertain. This variant is present in population databases (rs139626026, ExAC 0.001%). This sequence change replaces asparagine with lysine at codon 2143 of the SETD2 protein (p.Asn2143Lys). The asparagine residue is moderately conserved and there is a moderate physicochemical difference between asparagine and lysine.

NM_014159.7(SETD2):c.6429C>A (p.Asn2143Lys)

Gene: SETD2 (SET domain containing 2, histone lysine methyltransferase; minus strand). Cytogenetic location: 3p21.31.
Variant type: single nucleotide variant.
Coding change: c.6429C>A on transcript NM_014159.7 (MANE Select); coding-DNA position 6429, C replaced by A.
Protein change: p.Asn2143Lys; replaces asparagine 2143 with lysine.
Molecular consequence: missense variant. On other transcripts: non-coding transcript variant (1).
Genome position (GRCh38, 1-based): chr3:47,057,355, G>T on the plus strand (C>A on the coding strand, the complement: SETD2 is on the minus strand). VCF-style: chr3-47057355-G-T. GRCh37 (hg19) VCF-style: chr3-47098845-G-T.
Other names: c.6297C>A, p.Asn2099Lys (NM_001349370.3); short protein forms N2099K, N2143K.
Identifiers: ClinVar variation 642782 (VCV000642782.5), dbSNP rs139626026, ClinGen allele CA2362705.